The following is an entry in ClinVar:

ClinVar aggregate classification (germline): Pathogenic (1 of 4 stars; one submission).

Conditions:
Hereditary cancer-predisposing syndrome. Also called: Neoplastic Syndromes, Hereditary; Tumor predisposition; Hereditary Cancer Syndrome; Hereditary neoplastic syndrome. Identifiers: Orphanet 140162, MedGen C0027672, MeSH D009386, MONDO:0015356.

Submission:

Ambry Genetics
Classification: Pathogenic for Hereditary cancer-predisposing syndrome. Last evaluated: 2021-03-09. Review status: criteria provided, single submitter. Criteria: Ambry Variant Classification Scheme 2023. Collection method: clinical testing. Allele origin: germline.
Comment: The c.1627-3C>G intronic pathogenic mutation results from a C to G substitution 3 nucleotides upstream from coding exon 13 in the APC gene. This nucleotide position is highly conserved in available vertebrate species. In silico splice site analysis predicts that this alteration will weaken the native splice acceptor site. This variant was not reported in population-based cohorts in the Genome Aggregation Database (gnomAD). RNA studies have demonstrated that this alteration results in abnormal splicing in the set of samples tested (Ambry internal data). This alteration has been observed in at least one individual with a personal and/or family history that is consistent with APC-related disease (Ambry internal data). Based on the supporting evidence, this alteration is interpreted as a disease-causing mutation.

NM_000038.6(APC):c.1627-3C>G

Gene: APC (APC regulator of Wnt signaling pathway; plus strand). Cytogenetic location: 5q22.2.
Variant type: single nucleotide variant.
Coding change: c.1627-3C>G on transcript NM_000038.6 (MANE Select); 3 bases into the intron before coding-DNA position 1627, C replaced by G.
Molecular consequence: intron variant.
Genome position (GRCh38, 1-based): chr5:112,828,853, C>G. VCF-style: chr5-112828853-C-G. GRCh37 (hg19) VCF-style: chr5-112164550-C-G.
Other names: c.1627-3C>G (NM_001354895.2, NM_001127510.3); c.1657-3C>G (NM_001354897.2); c.1354-3C>G (NM_001354902.2); c.1573-3C>G (NM_001127511.3); c.1552-3C>G (NM_001354898.2); c.1249-3C>G (NM_001354904.2); c.778-3C>G (NM_001354906.2); c.1681-3C>G (NM_001354896.2); and 5 more.
Identifiers: ClinVar variation 1776714 (VCV001776714.2), dbSNP rs1554082079, ClinGen allele CA2580072445.